The following is an entry in ClinVar:

ClinVar aggregate classification (germline): Uncertain significance (1 of 4 stars; one submission).

Conditions:
Supravalvar aortic stenosis (SVAS). Also called: Supravalvar aortic stenosis, Eisenberg type. Identifiers: Orphanet 3193, MedGen C0003499, MONDO:0008504, OMIM 185500, HP:0004381.

Allele frequency attached by ClinVar (database versions not stated): ESP Exome Variant Server 0.00008.

Submission:

Labcorp Genetics (formerly Invitae), Labcorp
Classification: Uncertain significance for Supravalvar aortic stenosis. Last evaluated: 2023-08-17. Review status: criteria provided, single submitter. Criteria: Invitae Variant Classification Sherloc (09022015). Collection method: clinical testing. Allele origin: germline.
Comment: Algorithms developed to predict the effect of sequence changes on RNA splicing suggest that this variant may disrupt the consensus splice site. This sequence change replaces glycine, which is neutral and non-polar, with aspartic acid, which is acidic and polar, at codon 740 of the ELN protein (p.Gly740Asp). This variant is not present in population databases (gnomAD no frequency). This variant has not been reported in the literature in individuals affected with ELN-related conditions. ClinVar contains an entry for this variant (Variation ID: 1516936). Experimental studies and prediction algorithms are not available or were not evaluated, and the functional significance of this variant is currently unknown. In summary, the available evidence is currently insufficient to determine the role of this variant in disease. Therefore, it has been classified as a Variant of Uncertain Significance.

NM_000501.4(ELN):c.2033G>A (p.Gly678Asp)

Gene: ELN (elastin; plus strand). Cytogenetic location: 7q11.23.
Variant type: single nucleotide variant.
Coding change: c.2033G>A on transcript NM_000501.4 (MANE Select); coding-DNA position 2033, G replaced by A.
Protein change: p.Gly678Asp; replaces glycine 678 with aspartic acid.
Molecular consequence: missense variant. On other transcripts: intron variant (6).
Genome position (GRCh38, 1-based): chr7:74,065,944, G>A. VCF-style: chr7-74065944-G-A. GRCh37 (hg19) VCF-style: chr7-73480274-G-A.
Other names: c.1945+212G>A (NM_001081752.3); c.1765+212G>A (NM_001278918.2); c.2032+212G>A (NM_001278912.2); c.1888+212G>A (NM_001278916.2); c.1976G>A, p.Gly659Asp (NM_001081755.3); c.1790G>A, p.Gly597Asp (NM_001278913.2); c.1961G>A, p.Gly654Asp (NM_001278914.2); c.2051G>A, p.Gly684Asp (NM_001278915.2); and 4 more; short protein forms G678D, G597D, G668D, G740D, G684D, G654D, G659D.
Identifiers: ClinVar variation 1516936 (VCV001516936.4), dbSNP rs371321792, ClinGen allele CA160113610.